The following is an entry in ClinVar:

ClinVar aggregate classification (germline): Uncertain significance (1 of 4 stars; one submission).

gnomAD v4.1: 2 of 1,614,172 alleles (0.00012%); highest among the groups gnomAD compares: Middle Eastern, 0.016%; no homozygotes.

Submission:

Labcorp Genetics (formerly Invitae), Labcorp
Classification: Uncertain significance. Last evaluated: 2025-03-31. Review status: criteria provided, single submitter. Criteria: Invitae Variant Classification Sherloc (09022015). Collection method: clinical testing. Allele origin: germline.
Comment: This sequence change replaces histidine, which is basic and polar, with tyrosine, which is neutral and polar, at codon 264 of the TUBB1 protein (p.His264Tyr). This variant is not present in population databases (gnomAD no frequency). This variant has not been reported in the literature in individuals affected with TUBB1-related conditions. Invitae Evidence Modeling of protein sequence and biophysical properties (such as structural, functional, and spatial information, amino acid conservation, physicochemical variation, residue mobility, and thermodynamic stability) indicates that this missense variant is expected to disrupt TUBB1 protein function with a positive predictive value of 80%. In summary, the available evidence is currently insufficient to determine the role of this variant in disease. Therefore, it has been classified as a Variant of Uncertain Significance.

NM_030773.4(TUBB1):c.790C>T (p.His264Tyr)

Gene: TUBB1 (tubulin beta 1 class VI; plus strand). Cytogenetic location: 20q13.32.
Variant type: single nucleotide variant.
Coding change: c.790C>T on transcript NM_030773.4 (MANE Select); coding-DNA position 790, C replaced by T.
Protein change: p.His264Tyr; replaces histidine 264 with tyrosine.
Molecular consequence: missense variant.
Genome position (GRCh38, 1-based): chr20:59,024,217, C>T. VCF-style: chr20-59024217-C-T. GRCh37 (hg19) VCF-style: chr20-57599272-C-T.
Other names: short protein forms H264Y.
Identifiers: ClinVar variation 3682913 (VCV003682913.2).